The following is an entry in ClinVar:

NM_173648.4(CCDC141):c.4256C>T (p.Thr1419Ile)

Gene: CCDC141 (coiled-coil domain containing 141; minus strand). Cytogenetic location: 2q31.2.
Variant type: single nucleotide variant.
Coding change: c.4256C>T on transcript NM_173648.4 (MANE Select); coding-DNA position 4256, C replaced by T.
Protein change: p.Thr1419Ile; replaces threonine 1419 with isoleucine.
Molecular consequence: missense variant.
Genome position (GRCh38, 1-based): chr2:178,836,963, G>A on the plus strand (C>T on the coding strand, the complement: CCDC141 is on the minus strand). VCF-style: chr2-178836963-G-A. GRCh37 (hg19) VCF-style: chr2-179701690-G-A.
Other names: short protein forms T1419I.
Identifiers: ClinVar variation 2962748 (VCV002962748.3), dbSNP rs2535105917, ClinGen allele CA349548240.
Genomic context (GRCh38, chr2:178,836,963, plus strand): 5'-GTAGGCTCTGGAAATCCTGTTACTTCAACTTCCAAAGTCACTGGAGAACCTTCCATGACA[G>A]TTACATTAGACAGGAGCCTGGAGAAATTAGGTGCCTGGTCAGCTAGGCTGACCACGCTGC-3'
Protein context (NP_775919.3, residues 1409-1429): PNFSRLLSNV[Thr1419Ile]VMEGSPVTLE

ClinVar aggregate classification (germline): Uncertain significance (1 of 4 stars; one submission).

Submission:

Labcorp Genetics (formerly Invitae), Labcorp
Classification: Uncertain significance. Last evaluated: 2023-07-17. Review status: criteria provided, single submitter. Criteria: Invitae Variant Classification Sherloc (09022015). Collection method: clinical testing. Allele origin: germline.
Comment: In summary, the available evidence is currently insufficient to determine the role of this variant in disease. Therefore, it has been classified as a Variant of Uncertain Significance. An algorithm developed to predict the effect of missense changes on protein structure and function (PolyPhen-2) suggests that this variant is likely to be disruptive. This variant has not been reported in the literature in individuals affected with CCDC141-related conditions. This variant is not present in population databases (gnomAD no frequency). This sequence change replaces threonine, which is neutral and polar, with isoleucine, which is neutral and non-polar, at codon 1419 of the CCDC141 protein (p.Thr1419Ile).